The following is an entry in ClinVar:

ClinVar aggregate classification (germline): Pathogenic (1 of 4 stars; one submission).

Submission:

Labcorp Genetics (formerly Invitae), Labcorp
Classification: Pathogenic. Last evaluated: 2019-12-24. Review status: criteria provided, single submitter. Criteria: Invitae Variant Classification Sherloc (09022015). Collection method: clinical testing. Allele origin: germline.
Comment: This variant is a gross deletion of the genomic region encompassing a portion of intron 2 and the entire exon 3 of the HBB gene. The 5' boundary is confined to intron 2. The 3' end of this event extends through the termination codon and into the untranslated region of the HBB gene. While this deletion is not anticipated to result in nonsense mediated decay, it is expected to create a truncated protein product or disrupt mRNA translation. A similar exon 3 deletion, commonly known as the 619bp deletion, in the literature has been observed in many individuals affected with beta thalassemia and is considered a common founder mutation in the Indian population although it has been found in affected individuals from other populations (PMID: 2903765, 287080, 7162987, 2064964, 27812264). For these reasons, this variant has been classified as Pathogenic.

Literature cited by the submitters: PubMed 2903765; PubMed 2064964; PubMed 7162987; PubMed 287080; PubMed 27812264.

NC_000011.10:g.(?_5225365)_(5225905_?)del

Genes: HBB (hemoglobin subunit beta; minus strand), LOC107133510 (origin of replication at HBB; plus strand), LOC110006319 (beta-globin gene 3' regulatory region; plus strand). Cytogenetic location: 11p15.4.
Variant type: Deletion.
Identifiers: ClinVar variation 643148 (VCV000643148.2).